The following is an entry in ClinVar:

NM_001018113.3(FANCB):c.1496+1534_1496+1535inv

Gene: FANCB (FA complementation group B; minus strand). Cytogenetic location: Xp22.2.
Variant type: Inversion.
Coding change: c.1496+1534_1496+1535inv on transcript NM_001018113.3 (MANE Select).
Molecular consequence: intron variant.
Genome position: GRCh38 VCF-style: chrX-14848970-TG-CA. GRCh37 (hg19) VCF-style: chrX-14867092-TG-CA.
Other names: c.1496+1534_1496+1535inv (NM_001410764.1, NM_001324162.2, NM_152633.4).
Identifiers: ClinVar variation 4888358 (VCV004888358.1).
Genomic context (GRCh38, chrX:14,848,970, plus strand): 5'-CCCCCCCGGACCCAGCTTTCACTATCTTGTGTGTGTGTGTTATTTCTCAACCTGCCGATC[TG>CA]CCTAGGAACAAAGAGAGAGCCCCGTTGCATTGCGGGCTGCTGGCCAGATCCCGCAATAGG-3'

ClinVar aggregate classification (germline): Uncertain significance (1 of 4 stars; one submission).

Conditions:
Fanconi anemia complementation group B (FANCB). Also called: FANCONI PANCYTOPENIA, TYPE 2; FANCB-Related Fanconi Anemia. Identifiers: Orphanet 84, MedGen C1845292, MONDO:0010351, OMIM 300514.

Submission:

New York Genome Center
Classification: Uncertain significance for Fanconi anemia complementation group B. Last evaluated: 2023-09-28. Review status: criteria provided, single submitter. Criteria: NYGC Assertion Criteria 2020. Collection method: clinical testing. Allele origin: inherited. Affected: yes. Observed: 1 variant allele, 1 hemizygote.
Comment: The hemizygous deep intronic c.1496+1534_1496+1535inv variant identified in intron 7 (of 9) of the FANCB gene has not been reported in affected individuals in the literature or in the ClinVar database. The c.1496+1534_1496+1535inv variant is observed in 1 allele (~0.0003% minor allele frequency with 0 hemizygotes/homozygotes) in population databases (gnomAD v2.1.1 and v3.1.2, TOPMed Freeze 8), suggesting it is not a common benign variant in the populations represented in those databases. In silico predictions are in favor of the variant’s damaging effect [Splice AI delta score = 0.38 (donor gain) and 0.52 (acceptor gain)]; however, there are no functional studies to support or refute this prediction. Given the lack of compelling evidence for its pathogenicity, the hemizygous deep intronicc.1496+1534_1496+1535inv variant identified in the FANCB gene is reported as a Variant of Uncertain Significance.